The following is an entry in ClinVar:

NM_003803.4(MYOM1):c.824A>G (p.His275Arg)

Gene: MYOM1 (myomesin 1; minus strand). Cytogenetic location: 18p11.31.
Variant type: single nucleotide variant.
Coding change: c.824A>G on transcript NM_003803.4 (MANE Select); coding-DNA position 824, A replaced by G.
Protein change: p.His275Arg; replaces histidine 275 with arginine.
Molecular consequence: missense variant.
Genome position (GRCh38, 1-based): chr18:3,187,585, T>C on the plus strand (A>G on the coding strand, the complement: MYOM1 is on the minus strand). VCF-style: chr18-3187585-T-C. GRCh37 (hg19) VCF-style: chr18-3187583-T-C.
Other names: c.824A>G, p.His275Arg (NM_019856.2); short protein forms H275R.
Identifiers: ClinVar variation 4841424 (VCV004841424.1).
Genomic context (GRCh38, chr18:3,187,585, plus strand): 5'-TTTACATTCTCCTTCTCCCAAACCGTGTGGGAGCGAGGTTTAATGATAAACTCAGGAGCA[T>C]GGAGAAGATGGTCTTCATTCAGCTTGGCATGATATGTCTCGGTTTCTTCTAACTGAAAAA-3'
Protein context (NP_003794.3, residues 265-285): HAKLNEDHLL[His275Arg]APEFIIKPRS

ClinVar aggregate classification (germline): Uncertain significance (1 of 4 stars; one submission).

Submission:

Ambry Genetics
Classification: Uncertain significance. Last evaluated: 2025-12-16. Review status: criteria provided, single submitter. Criteria: Ambry Variant Classification Scheme 2023. Collection method: clinical testing. Allele origin: germline.
Comment: The p.H275R variant (also known as c.824A>G), located in coding exon 4 of the MYOM1 gene, results from an A to G substitution at nucleotide position 824. The histidine at codon 275 is replaced by arginine, an amino acid with highly similar properties. This amino acid position is conserved. In addition, the in silico prediction for this alteration is inconclusive. Based on the available evidence, the clinical significance of this variant remains unclear.